The following is an entry in ClinVar:

ClinVar aggregate classification (germline): Uncertain significance. Review status: criteria provided, multiple submitters, no conflicts (2 of 4 stars). 6 submissions from 6 submitters: Uncertain significance (5). 1 of the submissions does not count toward it. Last evaluated 2026-09-22.

Conditions:
Autosomal dominant nonsyndromic hearing loss 11. Identifiers: Orphanet 90635, MedGen C1832475, MONDO:0011032, OMIM 601317.
Usher syndrome type 1 (USH1). Also called: RETINITIS PIGMENTOSA AND CONGENITAL DEAFNESS. Identifiers: Orphanet 231169, Orphanet 886, MedGen C1568247, MONDO:0010168, OMIM 276900.
Autosomal recessive nonsyndromic hearing loss 2. Also called: DEAFNESS, AUTOSOMAL RECESSIVE 2; NEUROSENSORY NONSYNDROMIC RECESSIVE DEAFNESS 2. Identifiers: Orphanet 90636, MedGen C1838701, MONDO:0010807, OMIM 600060.
Usher syndrome type 1B (USH1B). Also called: Usher syndrome type IB. Identifiers: MedGen C1848638, MONDO:0700087.
Inborn genetic diseases. Identifiers: MedGen C0950123, MeSH D030342.

Allele frequency attached by ClinVar (database versions not stated): gnomAD 0.00003 and 0.00004; ExAC 0.00006; TOPMed 0.00008; gnomAD exomes 0.00004 and 0.00007.
gnomAD v4.1: 100 of 1,552,818 alleles (0.0064%); highest among the groups gnomAD compares: Admixed American, 0.0097%; no homozygotes.

Submissions (6):

GeneDx
Classification: Uncertain significance. Last evaluated: 2026-09-22. Review status: criteria provided, single submitter. Criteria: GeneDx Variant Classification Process June 2021. Collection method: clinical testing. Allele origin: germline.
Comment: In silico analysis supports that this missense variant has a deleterious effect on protein structure/function; Has not been previously published as pathogenic or benign in association with a MYO7A related disorder to our knowledge; This variant is associated with the following publications: (PMID: 41863617)

Labcorp Genetics (formerly Invitae), Labcorp
Classification: Uncertain significance. Last evaluated: 2026-01-20. Review status: criteria provided, single submitter. Criteria: Invitae Variant Classification Sherloc (09022015). Collection method: clinical testing. Allele origin: germline.
Comment: This sequence change replaces serine, which is neutral and polar, with leucine, which is neutral and non-polar, at codon 1767 of the MYO7A protein (p.Ser1767Leu). This variant is present in population databases (rs757896867, gnomAD 0.02%). This variant has not been reported in the literature in individuals affected with MYO7A-related conditions. ClinVar contains an entry for this variant (Variation ID: 952138). Invitae Evidence Modeling of protein sequence and biophysical properties (such as structural, functional, and spatial information, amino acid conservation, physicochemical variation, residue mobility, and thermodynamic stability) indicates that this missense variant is not expected to disrupt MYO7A protein function with a negative predictive value of 95%. In summary, the available evidence is currently insufficient to determine the role of this variant in disease. Therefore, it has been classified as a Variant of Uncertain Significance.

Ambry Genetics
Classification: Uncertain significance for Inborn genetic diseases. Last evaluated: 2025-04-02. Review status: criteria provided, single submitter. Criteria: Ambry Variant Classification Scheme 2023. Collection method: clinical testing. Allele origin: germline.

Blueprint Genetics
Classification: Uncertain significance. Last evaluated: 2022-07-16. Review status: criteria provided, single submitter. Criteria: ACMG Guidelines, 2015. Collection method: clinical testing. Allele origin: germline.

Fulgent Genetics
Classification: Uncertain significance for Usher syndrome type 1; Autosomal recessive nonsyndromic hearing loss 2; Autosomal dominant nonsyndromic hearing loss 11. Last evaluated: 2021-09-07. Review status: criteria provided, single submitter. Criteria: ACMG Guidelines, 2015. Collection method: clinical testing. Allele origin: unknown.

Natera, Inc.
Classification: Uncertain significance for Usher syndrome type 1B. Last evaluated: 2020-02-01. Review status: no assertion criteria provided. Collection method: clinical testing. Allele origin: germline. Not counted in ClinVar's aggregate classification.

NM_000260.4(MYO7A):c.5300C>T (p.Ser1767Leu)

Gene: MYO7A (myosin VIIA; plus strand). Cytogenetic location: 11q13.5.
Variant type: single nucleotide variant.
Coding change: c.5300C>T on transcript NM_000260.4 (MANE Select); coding-DNA position 5300, C replaced by T.
Protein change: p.Ser1767Leu; replaces serine 1767 with leucine.
Molecular consequence: missense variant.
Genome position (GRCh38, 1-based): chr11:77,203,191, C>T. VCF-style: chr11-77203191-C-T. GRCh37 (hg19) VCF-style: chr11-76914236-C-T.
Other names: c.5186C>T, p.Ser1729Leu (NM_001127180.2); c.5153C>T, p.Ser1718Leu (NM_001369365.1); short protein forms S1718L, S1729L, S1767L.
Identifiers: ClinVar variation 952138 (VCV000952138.12), dbSNP rs757896867, ClinGen allele CA6198668.